The following is an entry in ClinVar:

ClinVar aggregate classification (germline): Uncertain significance (1 of 4 stars; one submission).

Conditions:
Sulfite oxidase deficiency. Also called: Isolated sulfite oxidase deficiency. Identifiers: Orphanet 833, Orphanet 99731, MedGen C0268624, MONDO:0010089, OMIM 272300, HP:0003643.

Allele frequency attached by ClinVar (database versions not stated): gnomAD 0.00001; gnomAD exomes 0.00001 and 0.00002; TOPMed 0.00001; ExAC 0.00002.

Submission:

Labcorp Genetics (formerly Invitae), Labcorp
Classification: Uncertain significance for Sulfite oxidase deficiency. Last evaluated: 2022-06-13. Review status: criteria provided, single submitter. Criteria: Invitae Variant Classification Sherloc (09022015). Collection method: clinical testing. Allele origin: germline.
Comment: This sequence change replaces alanine, which is neutral and non-polar, with valine, which is neutral and non-polar, at codon 339 of the SUOX protein (p.Ala339Val). This variant is present in population databases (rs754995316, gnomAD 0.008%). This variant has not been reported in the literature in individuals affected with SUOX-related conditions. ClinVar contains an entry for this variant (Variation ID: 1003356). Algorithms developed to predict the effect of missense changes on protein structure and function (SIFT, PolyPhen-2, Align-GVGD) all suggest that this variant is likely to be disruptive. In summary, the available evidence is currently insufficient to determine the role of this variant in disease. Therefore, it has been classified as a Variant of Uncertain Significance.

NM_001032386.2(SUOX):c.1016C>T (p.Ala339Val)

Gene: SUOX (sulfite oxidase; plus strand). Cytogenetic location: 12q13.2.
Variant type: single nucleotide variant.
Coding change: c.1016C>T on transcript NM_001032386.2 (MANE Select); coding-DNA position 1016, C replaced by T.
Protein change: p.Ala339Val; replaces alanine 339 with valine.
Molecular consequence: missense variant.
Genome position (GRCh38, 1-based): chr12:56,004,405, C>T. VCF-style: chr12-56004405-C-T. GRCh37 (hg19) VCF-style: chr12-56398189-C-T.
Other names: c.1016C>T, p.Ala339Val (NM_000456.3, NM_001032387.2); short protein forms A339V.
Identifiers: ClinVar variation 1003356 (VCV001003356.5), dbSNP rs754995316, ClinGen allele CA6621081.